The following is an entry in ClinVar:

ClinVar aggregate classification (germline): Uncertain significance. Review status: criteria provided, multiple submitters, no conflicts (2 of 4 stars). 2 submissions from 2 submitters: Uncertain significance (2). Last evaluated 2025-11-20.

Conditions:
Spastic paraplegia. Identifiers: MedGen C0037772, HP:0001258.
Inborn genetic diseases. Identifiers: MedGen C0950123, MeSH D030342.

Submissions (2):

Ambry Genetics
Classification: Uncertain significance for Inborn genetic diseases. Last evaluated: 2025-11-20. Review status: criteria provided, single submitter. Criteria: Ambry Variant Classification Scheme 2023. Collection method: clinical testing. Allele origin: germline.

Labcorp Genetics (formerly Invitae), Labcorp
Classification: Uncertain significance for Spastic paraplegia. Last evaluated: 2024-07-10. Review status: criteria provided, single submitter. Criteria: Invitae Variant Classification Sherloc (09022015). Collection method: clinical testing. Allele origin: germline.
Comment: This sequence change replaces asparagine, which is neutral and polar, with serine, which is neutral and polar, at codon 610 of the KIF5A protein (p.Asn610Ser). This variant is not present in population databases (gnomAD no frequency). This variant has not been reported in the literature in individuals affected with KIF5A-related conditions. ClinVar contains an entry for this variant (Variation ID: 1498692). Advanced modeling of protein sequence and biophysical properties (such as structural, functional, and spatial information, amino acid conservation, physicochemical variation, residue mobility, and thermodynamic stability) performed at Invitae indicates that this missense variant is not expected to disrupt KIF5A protein function with a negative predictive value of 95%. In summary, the available evidence is currently insufficient to determine the role of this variant in disease. Therefore, it has been classified as a Variant of Uncertain Significance.

NM_004984.4(KIF5A):c.1829A>G (p.Asn610Ser)

Gene: KIF5A (kinesin family member 5A; plus strand). Cytogenetic location: 12q13.3.
Variant type: single nucleotide variant.
Coding change: c.1829A>G on transcript NM_004984.4 (MANE Select); coding-DNA position 1829, A replaced by G.
Protein change: p.Asn610Ser; replaces asparagine 610 with serine.
Molecular consequence: missense variant.
Genome position (GRCh38, 1-based): chr12:57,575,196, A>G. VCF-style: chr12-57575196-A-G. GRCh37 (hg19) VCF-style: chr12-57968979-A-G.
Other names: c.1829A>G (NM_004984.2); c.1562A>G, p.Asn521Ser (NM_001354705.2); short protein forms N521S, N610S.
Identifiers: ClinVar variation 1498692 (VCV001498692.7), dbSNP rs978303061, ClinGen allele CA237786651.